The following is an entry in ClinVar:

NM_000435.3(NOTCH3):c.5914G>A (p.Glu1972Lys)

Gene: NOTCH3 (notch receptor 3; minus strand). Cytogenetic location: 19p13.12.
Variant type: single nucleotide variant.
Coding change: c.5914G>A on transcript NM_000435.3 (MANE Select); coding-DNA position 5914, G replaced by A.
Protein change: p.Glu1972Lys; replaces glutamic acid 1972 with lysine.
Molecular consequence: missense variant.
Genome position (GRCh38, 1-based): chr19:15,161,714, C>T on the plus strand (G>A on the coding strand, the complement: NOTCH3 is on the minus strand). VCF-style: chr19-15161714-C-T. GRCh37 (hg19) VCF-style: chr19-15272525-C-T.
Other names: short protein forms E1972K.
Identifiers: ClinVar variation 1311137 (VCV001311137.2), dbSNP rs2145384096, ClinGen allele CA404491153.

ClinVar aggregate classification (germline): Uncertain significance (1 of 4 stars; one submission).

Allele frequency attached by ClinVar (database versions not stated): gnomAD exomes below 0.00001.
gnomAD v4.1: 1 of 1,613,170 alleles (0.000062%); highest among the groups gnomAD compares: Non-Finnish European, 0.000085%; no homozygotes.

Submission:

GeneDx
Classification: Uncertain significance. Last evaluated: 2019-12-10. Review status: criteria provided, single submitter. Criteria: GeneDx Variant Classification Process June 2021. Collection method: clinical testing. Allele origin: germline. Affected: yes.
Comment: Not observed in large population cohorts (Lek et al., 2016); In silico analysis, which includes protein predictors and evolutionary conservation, supports a deleterious effect; Has not been previously published as pathogenic or benign to our knowledge